The following is an entry in ClinVar:

NM_007129.5(ZIC2):c.22C>T (p.Gln8Ter)

Gene: ZIC2 (Zic family member 2; plus strand). Cytogenetic location: 13q32.3.
Variant type: single nucleotide variant.
Coding change: c.22C>T on transcript NM_007129.5 (MANE Select); coding-DNA position 22, C replaced by T.
Protein change: p.Gln8Ter; replaces glutamine 8 with a stop codon.
Molecular consequence: nonsense.
Genome position (GRCh38, 1-based): chr13:99,982,086, C>T. VCF-style: chr13-99982086-C-T. GRCh37 (hg19) VCF-style: chr13-100634340-C-T.
Other names: short protein forms Q8*.
Identifiers: ClinVar variation 817549 (VCV000817549.1), dbSNP rs1594290376, ClinGen allele CA388636386.

ClinVar aggregate classification (germline): Likely pathogenic (1 of 4 stars; one submission).

Submission:

GeneDx
Classification: Likely pathogenic. Last evaluated: 2019-03-18. Review status: criteria provided, single submitter. Criteria: GeneDx Variant Classification (06012015). Collection method: clinical testing. Allele origin: germline. Affected: yes.
Comment: The Q8X variant in the ZIC2 gene has not been reported previously as a pathogenic variant nor as a benign variant, to our knowledge. This variant is predicted to cause loss of normal protein function either through protein truncation or nonsense-mediated mRNA decay. The Q8X variant is not observed in large population cohorts (Lek et al., 2016). We interpret Q8X as a likely pathogenic variant.